The following is an entry in ClinVar:

ClinVar aggregate classification (germline): Benign/Likely benign. Review status: criteria provided, multiple submitters, no conflicts (2 of 4 stars). 9 submissions from 9 submitters: Benign (7); Likely benign (1). 1 of the submissions does not count toward it. Last evaluated 2026-02-03.

Conditions:
Long QT syndrome (LQTS). Identifiers: MedGen C0023976, MeSH D008133, MONDO:0002442. Disease mechanism: loss of function. Inheritance: Various modes of inheritance.
Cardiac arrhythmia, ankyrin-B-related. Also called: ANKYRIN-B SYNDROME. Identifiers: Orphanet 101016, Orphanet 768, MedGen C1970119, MONDO:0010958, OMIM 600919.

Allele frequency attached by ClinVar (database versions not stated): gnomAD exomes 0.00225; ExAC 0.00227; 1000 Genomes Project 0.00339; 1000 Genomes Project 30x 0.00390; gnomAD 0.00617 and 0.00674; TOPMed 0.00716; ESP Exome Variant Server 0.00769.
gnomAD v4.1: 2,541 of 1,583,764 alleles (0.16%); highest among the groups gnomAD compares: African/African-American, 2%; 23 homozygotes.

Submissions (9):

Labcorp Genetics (formerly Invitae), Labcorp
Classification: Benign for Long QT syndrome. Last evaluated: 2026-02-03. Review status: criteria provided, single submitter. Criteria: Invitae Variant Classification Sherloc (09022015). Collection method: clinical testing. Allele origin: germline.

Blueprint Genetics
Classification: Likely benign. Last evaluated: 2024-11-01. Review status: criteria provided, single submitter. Criteria: ACMG Guidelines, 2015. Collection method: clinical testing. Allele origin: germline.

ARUP Laboratories, Molecular Genetics and Genomics, ARUP Laboratories
Classification: Benign. Last evaluated: 2023-09-21. Review status: criteria provided, single submitter. Criteria: ARUP Molecular Germline Variant Investigation Process 2024. Collection method: clinical testing. Allele origin: germline.

Genome-Nilou Lab
Classification: Benign for Cardiac arrhythmia, ankyrin-B-related. Last evaluated: 2021-12-05. Review status: criteria provided, single submitter. Criteria: ACMG Guidelines, 2015. Collection method: clinical testing. Allele origin: germline. Affected: no.

Women's Health and Genetics/Laboratory Corporation of America, LabCorp
Classification: Benign. Last evaluated: 2020-11-02. Review status: criteria provided, single submitter. Criteria: LabCorp Variant Classification Summary - May 2015. Collection method: clinical testing. Allele origin: germline.
Comment: Variant summary: ANK2 c.2178+18C>T alters a non-conserved nucleotide located close to a canonical splice site and therefore could affect mRNA splicing, leading to a significantly altered protein sequence. 4/4 computational tools predict no significant impact on normal splicing. However, these predictions have yet to be confirmed by functional studies. The variant allele was found at a frequency of 0.0023 in 249380 control chromosomes in the gnomAD database, including 4 homozygotes. The observed variant frequency is approximately 338- fold the estimated maximal expected allele frequency for a pathogenic variant in ANK2 causing Long QT Syndrome phenotype (6.7e-06), strongly suggesting that the variant is benign. To our knowledge, no occurrence of c.2178+18C>T in individuals affected with Long QT Syndrome and no experimental evidence demonstrating its impact on protein function have been reported. One clinical diagnostic laboratory has submitted clinical-significance assessments for this variant to ClinVar after 2014 without evidence for independent evaluation, citing the variant as benign. Based on the evidence outlined above, the variant was classified as benign.

GeneDx
Classification: Benign. Last evaluated: 2015-03-03. Review status: criteria provided, single submitter. Criteria: GeneDx Variant Classification Process June 2021. Collection method: clinical testing. Allele origin: germline. Affected: yes.

Genome Diagnostics Laboratory, University Medical Center Utrecht
Classification: Benign for Cardiac arrhythmia, ankyrin-B-related. Last evaluated: 2014-10-09. Review status: criteria provided, single submitter. Criteria: ACGS Guidelines, 2013. Collection method: clinical testing. Allele origin: germline. Affected: yes. Study: VKGL Data-share Consensus.

Breakthrough Genomics
Classification: Benign. Review status: criteria provided, single submitter. Criteria: ACMG Guidelines, 2015. Collection method: not provided. Allele origin: germline. Inheritance: Autosomal dominant inheritance. Affected: yes.

Clinical Genetics, Academic Medical Center
Classification: Benign. Review status: no assertion criteria provided. Collection method: clinical testing. Allele origin: germline. Affected: yes. Study: VKGL Data-share Consensus. Not counted in ClinVar's aggregate classification.

NM_001148.6(ANK2):c.2178+18C>T

Gene: ANK2 (ankyrin 2; plus strand). Cytogenetic location: 4q26.
Variant type: single nucleotide variant.
Coding change: c.2178+18C>T on transcript NM_001148.6 (MANE Select); 18 bases into the intron after coding-DNA position 2178, C replaced by T.
Molecular consequence: intron variant.
Genome position (GRCh38, 1-based): chr4:113,287,721, C>T. VCF-style: chr4-113287721-C-T. GRCh37 (hg19) VCF-style: chr4-114208877-C-T.
Other names: c.2166+18C>T (NM_001386186.2, NM_001386148.2); c.1968+18C>T (NM_001354269.3); c.2142+18C>T (NM_001386187.2); c.2136+18C>T (NM_001386147.1, NM_001386160.1, NM_001354261.2); c.2115+18C>T (NM_001354254.2, NM_001354239.2, NM_001354252.2 and 10 more transcripts); c.2016+18C>T (NM_001354253.2, NM_001354270.2, NM_001354257.2 and 1 more transcripts); c.2091+18C>T (NM_001354249.2, NM_001354266.2, NM_001354276.2 and 10 more transcripts); c.1992+18C>T (NM_001386151.1, NM_001354260.2, NM_001354271.2); and 8 more.
Identifiers: ClinVar variation 522253 (VCV000522253.29), dbSNP rs45447896, ClinGen allele CA3050469.